The following is an entry in ClinVar:

ClinVar aggregate classification (germline): Uncertain significance (1 of 4 stars; one submission).

Submission:

Labcorp Genetics (formerly Invitae), Labcorp
Classification: Uncertain significance. Last evaluated: 2024-06-20. Review status: criteria provided, single submitter. Criteria: Invitae Variant Classification Sherloc (09022015). Collection method: clinical testing. Allele origin: germline.
Comment: This sequence change replaces histidine, which is basic and polar, with tyrosine, which is neutral and polar, at codon 485 of the DDX3X protein (p.His485Tyr). This variant is not present in population databases (gnomAD no frequency). This variant has not been reported in the literature in individuals affected with DDX3X-related conditions. Experimental studies and prediction algorithms are not available or were not evaluated, and the functional significance of this variant is currently unknown. In summary, the available evidence is currently insufficient to determine the role of this variant in disease. Therefore, it has been classified as a Variant of Uncertain Significance.

NM_001356.5(DDX3X):c.1453C>T (p.His485Tyr)

Gene: DDX3X (DEAD-box helicase 3 X-linked; plus strand). Cytogenetic location: Xp11.4.
Variant type: single nucleotide variant.
Coding change: c.1453C>T on transcript NM_001356.5 (MANE Select); coding-DNA position 1453, C replaced by T.
Protein change: p.His485Tyr; replaces histidine 485 with tyrosine.
Molecular consequence: missense variant. On other transcripts: non-coding transcript variant (1).
Genome position (GRCh38, 1-based): chrX:41,346,366, C>T. VCF-style: chrX-41346366-C-T. GRCh37 (hg19) VCF-style: chrX-41205619-C-T.
Other names: c.1453C>T, p.His485Tyr (NM_001193416.3); c.1405C>T, p.His469Tyr (NM_001193417.3); c.895C>T, p.His299Tyr (NM_001363819.1); short protein forms H469Y, H299Y, H485Y.
Identifiers: ClinVar variation 3667959 (VCV003667959.2).